The following is an entry in ClinVar:

ClinVar aggregate classification (germline): Uncertain significance (1 of 4 stars; one submission).

gnomAD v4.1: 1 of 1,614,168 alleles (0.000062%); no homozygotes.

Submission:

CeGaT Center for Human Genetics Tuebingen
Classification: Uncertain significance. Last evaluated: 2025-11-01. Review status: criteria provided, single submitter. Criteria: CeGaT Center For Human Genetics Tuebingen Variant Classification Criteria Version 2. Collection method: clinical testing. Allele origin: germline. Affected: yes. Observed: 1 variant allele.
Comment: SETBP1: PM2

NM_015559.3(SETBP1):c.2846A>G (p.Asp949Gly)

Gene: SETBP1 (SET binding protein 1; plus strand). Cytogenetic location: 18q12.3.
Variant type: single nucleotide variant.
Coding change: c.2846A>G on transcript NM_015559.3 (MANE Select); coding-DNA position 2846, A replaced by G.
Protein change: p.Asp949Gly; replaces aspartic acid 949 with glycine.
Molecular consequence: missense variant.
Genome position (GRCh38, 1-based): chr18:44,952,186, A>G. VCF-style: chr18-44952186-A-G. GRCh37 (hg19) VCF-style: chr18-42532151-A-G.
Other names: c.2846A>G, p.Asp949Gly (NM_001379141.1, NM_001379142.1, NM_001410862.1); short protein forms D949G.
Identifiers: ClinVar variation 4534342 (VCV004534342.6).